The following is an entry in ClinVar:

NM_024899.4(CEP76):c.71T>A (p.Val24Asp)

Genes: CEP76 (centrosomal protein 76; minus strand), PSMG2 (proteasome assembly chaperone 2; plus strand). Cytogenetic location: 18p11.21.
Variant type: single nucleotide variant.
Coding change: c.71T>A on transcript NM_024899.4 (MANE Select); coding-DNA position 71, T replaced by A.
Protein change: p.Val24Asp; replaces valine 24 with aspartic acid.
Molecular consequence: missense variant. On other transcripts: non-coding transcript variant (1), intron variant (1).
Genome position (GRCh38, 1-based): chr18:12,701,106, A>T on the plus strand (T>A on the coding strand, the complement: CEP76 is on the minus strand). VCF-style: chr18-12701106-A-T. GRCh37 (hg19) VCF-style: chr18-12701105-A-T.
Other names: c.71T>A, p.Val24Asp (NM_001271989.2); c.-36-5444A>T (NM_147163.2); short protein forms V24D.
Identifiers: ClinVar variation 4075832 (VCV004075832.1).

ClinVar aggregate classification (germline): Likely pathogenic (1 of 4 stars; one submission).

Conditions:
Joubert syndrome 1 (JBTS1). Also called: CEREBELLOPARENCHYMAL DISORDER IV; Cerebellooculorenal syndrome 1. Identifiers: MedGen C4551568, MONDO:0008944, OMIM 213300.

Submission:

Advanced Center For Translational And Genetic Medicine, Ann & Robert H. Lurie Children's Hospital Of Chicago
Classification: Likely pathogenic for Joubert syndrome 1. Last evaluated: 2024-07-29. Review status: criteria provided, single submitter. Criteria: ACMG Guidelines, 2015. Collection method: research, in vitro. Allele origin: maternal, not applicable. Affected: yes. Observed: 1 compound heterozygote. Functional consequence: loss_of_function_variant.
Comment: Well-established in vitro or in vivo functional studies supportive of a damaging effect on the gene or gene product (PS3), absent from gnomAD v4.1.0 (PM2), Multiple computational tools support deleterious effect, CADD=26.9 and Mutation Taster predicts Disease Causing (PP3)